The following is an entry in ClinVar:

ClinVar aggregate classification (germline): Conflicting classifications of pathogenicity. Review status: criteria provided, conflicting classifications (1 of 4 stars). 6 submissions from 6 submitters: Uncertain significance (1); Likely benign (4). 1 of the submissions does not count toward it. Last evaluated 2026-01-19.

Conditions:
SCARB2-related disorder. Also called: SCARB2-related condition.
Inborn genetic diseases. Identifiers: MedGen C0950123, MeSH D030342.
Progressive myoclonic epilepsy. Also called: Myoclonic Epilepsies, Progressive; Familial progressive myoclonic epilepsy; Progressive myoclonus epilepsy; Myoclonus epilepsy. Identifiers: Orphanet 308, Orphanet 98261, MedGen C0751778, MONDO:0020074.
Action myoclonus-renal failure syndrome. Also called: EPILEPSY, PROGRESSIVE MYOCLONIC, 4, WITH RENAL FAILURE; EPILEPSY, PROGRESSIVE MYOCLONIC, 4, WITHOUT RENAL FAILURE; MYOCLONUS-NEPHROPATHY SYNDROME; SCARB2-Related Action Myoclonus-Renal Failure Syndrome. Identifiers: Orphanet 163696, MedGen C0751779, MeSH D020191, MONDO:0009699, OMIM 254900.

Allele frequency attached by ClinVar (database versions not stated): gnomAD exomes 0.00006 and 0.00012; ESP Exome Variant Server 0.00008; ExAC 0.00010; gnomAD 0.00014 and 0.00015; 1000 Genomes Project 30x 0.00016; TOPMed 0.00017; 1000 Genomes Project 0.00020.
gnomAD v4.1: 137 of 1,610,616 alleles (0.0085%); highest among the groups gnomAD compares: Admixed American, 0.04%; no homozygotes.

Submissions (6):

Labcorp Genetics (formerly Invitae), Labcorp
Classification: Likely benign for Progressive myoclonic epilepsy. Last evaluated: 2026-01-19. Review status: criteria provided, single submitter. Criteria: Invitae Variant Classification Sherloc (09022015). Collection method: clinical testing. Allele origin: germline.

Blueprint Genetics
Classification: Likely benign. Last evaluated: 2024-09-09. Review status: criteria provided, single submitter. Criteria: ACMG Guidelines, 2015. Collection method: clinical testing. Allele origin: germline.

Ambry Genetics
Classification: Uncertain significance for Inborn genetic diseases. Last evaluated: 2023-03-23. Review status: criteria provided, single submitter. Criteria: Ambry Variant Classification Scheme 2023. Collection method: clinical testing. Allele origin: germline.
Comment: The c.424-5C>T intronic alteration consists of a C to T substitution 5 nucleotides before exon 4 of the SCARB2 gene. Based on insufficient or conflicting evidence, the clinical significance of this alteration remains unclear.

Fulgent Genetics
Classification: Likely benign for Action myoclonus-renal failure syndrome. Last evaluated: 2021-12-30. Review status: criteria provided, single submitter. Criteria: ACMG Guidelines, 2015. Collection method: clinical testing. Allele origin: unknown.

GeneDx
Classification: Likely benign. Last evaluated: 2019-08-08. Review status: criteria provided, single submitter. Criteria: GeneDx Variant Classification Process June 2021. Collection method: clinical testing. Allele origin: germline. Affected: yes.

PreventionGenetics, part of Exact Sciences
Classification: Likely benign for SCARB2-related condition. Last evaluated: 2023-07-30. Review status: no assertion criteria provided. Collection method: clinical testing. Allele origin: germline. Not counted in ClinVar's aggregate classification.
Comment: This variant is classified as likely benign based on ACMG/AMP sequence variant interpretation guidelines (Richards et al. 2015 PMID: 25741868, with internal and published modifications).

NM_005506.4(SCARB2):c.424-5C>T

Gene: SCARB2 (scavenger receptor class B member 2; minus strand). Cytogenetic location: 4q21.1.
Variant type: single nucleotide variant.
Coding change: c.424-5C>T on transcript NM_005506.4 (MANE Select); 5 bases into the intron before coding-DNA position 424, C replaced by T.
Molecular consequence: intron variant.
Genome position (GRCh38, 1-based): chr4:76,179,710, G>A on the plus strand (C>T on the coding strand, the complement: SCARB2 is on the minus strand). VCF-style: chr4-76179710-G-A. GRCh37 (hg19) VCF-style: chr4-77100863-G-A.
Other names: c.276-3800C>T (NM_001204255.2).
Identifiers: ClinVar variation 385901 (VCV000385901.19), dbSNP rs192876326, ClinGen allele CA2970331.